The following is an entry in ClinVar:

ClinVar aggregate classification (germline): Uncertain significance (1 of 4 stars; one submission).

Submission:

Labcorp Genetics (formerly Invitae), Labcorp
Classification: Uncertain significance. Last evaluated: 2025-05-05. Review status: criteria provided, single submitter. Criteria: Invitae Variant Classification Sherloc (09022015). Collection method: clinical testing. Allele origin: germline.
Comment: This sequence change falls in intron 13 of the COL2A1 gene. It does not directly change the encoded amino acid sequence of the COL2A1 protein. It affects a nucleotide within the consensus splice site. This variant is not present in population databases (gnomAD no frequency). This variant has not been reported in the literature in individuals affected with COL2A1-related conditions. Variants that disrupt the consensus splice site are a relatively common cause of aberrant splicing (PMID: 17576681, 9536098). Algorithms developed to predict the effect of sequence changes on RNA splicing suggest that this variant is not likely to affect RNA splicing. In summary, the available evidence is currently insufficient to determine the role of this variant in disease. Therefore, it has been classified as a Variant of Uncertain Significance.

Literature cited by the submitters: PubMed 17576681; PubMed 9536098.

NM_001844.5(COL2A1):c.871-3T>C

Gene: COL2A1 (collagen type II alpha 1 chain; minus strand). Cytogenetic location: 12q13.11.
Variant type: single nucleotide variant.
Coding change: c.871-3T>C on transcript NM_001844.5 (MANE Select); 3 bases into the intron before coding-DNA position 871, T replaced by C.
Molecular consequence: intron variant.
Genome position (GRCh38, 1-based): chr12:47,993,865, A>G on the plus strand (T>C on the coding strand, the complement: COL2A1 is on the minus strand). VCF-style: chr12-47993865-A-G. GRCh37 (hg19) VCF-style: chr12-48387648-A-G.
Other names: c.664-3T>C (NM_033150.3).
Identifiers: ClinVar variation 4718610 (VCV004718610.1).